The following is an entry in ClinVar:

NM_003072.5(SMARCA4):c.431A>G (p.Gln144Arg)

Gene: SMARCA4 (SWI/SNF related BAF chromatin remodeling complex subunit ATPase 4; plus strand). Cytogenetic location: 19p13.2.
Variant type: single nucleotide variant.
Coding change: c.431A>G on transcript NM_003072.5 (MANE Select); coding-DNA position 431, A replaced by G.
Protein change: p.Gln144Arg; replaces glutamine 144 with arginine.
Molecular consequence: missense variant. On other transcripts: non-coding transcript variant (1).
Genome position (GRCh38, 1-based): chr19:10,986,264, A>G. VCF-style: chr19-10986264-A-G. GRCh37 (hg19) VCF-style: chr19-11096940-A-G.
Other names: c.431A>G, p.Gln144Arg (NM_001128844.3, NM_001128845.2, NM_001128846.2 and 5 more transcripts); short protein forms Q144R.
Identifiers: ClinVar variation 484974 (VCV000484974.5), dbSNP rs1555753036, ClinGen allele CA404055923.

ClinVar aggregate classification (germline): Uncertain significance (1 of 4 stars; one submission).

Conditions:
Hereditary cancer-predisposing syndrome. Also called: Neoplastic Syndromes, Hereditary; Tumor predisposition; Hereditary Cancer Syndrome; Hereditary neoplastic syndrome. Identifiers: Orphanet 140162, MedGen C0027672, MeSH D009386, MONDO:0015356.

Submission:

Ambry Genetics
Classification: Uncertain significance for Hereditary cancer-predisposing syndrome. Last evaluated: 2017-05-13. Review status: criteria provided, single submitter. Criteria: Ambry Variant Classification Scheme 2023. Collection method: clinical testing. Allele origin: germline.
Comment: The p.Q144R variant (also known as c.431A>G), located in coding exon 3 of the SMARCA4 gene, results from an A to G substitution at nucleotide position 431. The glutamine at codon 144 is replaced by arginine, an amino acid with highly similar properties. This amino acid position is highly conserved through mammals but not in all available vertebrate species. In addition, this alteration is predicted to be tolerated by in silico analysis. Since supporting evidence is limited at this time, the clinical significance of this alteration remains unclear.